The following is an entry in ClinVar:

NM_000384.3(APOB):c.4140A>C (p.Thr1380=)

Gene: APOB (apolipoprotein B; minus strand). Cytogenetic location: 2p24.1.
Variant type: single nucleotide variant.
Coding change: c.4140A>C on transcript NM_000384.3 (MANE Select); coding-DNA position 4140, A replaced by C.
Protein change: p.Thr1380=; no amino-acid change (threonine 1380 retained).
Molecular consequence: synonymous variant.
Genome position (GRCh38, 1-based): chr2:21,013,236, T>G on the plus strand (A>C on the coding strand, the complement: APOB is on the minus strand). VCF-style: chr2-21013236-T-G. GRCh37 (hg19) VCF-style: chr2-21236108-T-G.
Identifiers: ClinVar variation 1115339 (VCV001115339.52), dbSNP rs781016611, ClinGen allele CA060563.

ClinVar aggregate classification (germline): Likely benign. Review status: criteria provided, multiple submitters, no conflicts (2 of 4 stars). 3 submissions from 3 submitters: Likely benign (3). Last evaluated 2024-08-28.

Conditions:
Familial hypercholesterolemia. Also called: Familial hypercholesterolemias; Familial hypercholesterolaemia. Identifiers: MedGen C0020445, MONDO:0005439.
Cardiovascular phenotype. Identifiers: MedGen CN230736.
Familial hypobetalipoproteinemia 1. Also called: Hypobetalipoproteinemia, normotriglyceridemic; Acanthocytosis with hypobetalipoproteinemia; APOB-Related Familial Hypobetalipoproteinemia. Identifiers: MedGen C4551990, MONDO:0014252, OMIM 615558.
Hypercholesterolemia, autosomal dominant, type B (FHCL2). Also called: Familial Hypercholesterolemia Type B; APOLIPOPROTEIN B-100, FAMILIAL DEFECTIVE; APOLIPOPROTEIN B-100, FAMILIAL LIGAND-DEFECTIVE; HYPERCHOLESTEROLEMIA, FAMILIAL, DUE TO LIGAND-DEFECTIVE APOLIPOPROTEIN B; APOB-Related Familial Hypercholesterolemia, Autosomal Dominant; Hyperlipoproteinemia Type IIb. Identifiers: MedGen C1704417, MONDO:0007751, OMIM 144010.

Allele frequency attached by ClinVar (database versions not stated): gnomAD exomes below 0.00001; ExAC 0.00001; TOPMed 0.00002; gnomAD 0.00003 and 0.00004.
gnomAD v4.1: 7 of 1,614,094 alleles (0.00043%); highest among the groups gnomAD compares: African/African-American, 0.008%; no homozygotes.

Submissions (3):

GENinCode PLC
Classification: Likely benign for Familial hypercholesterolemia. Last evaluated: 2024-08-28. Review status: criteria provided, single submitter. Criteria: ACMG Guidelines, 2015. Collection method: clinical testing. Allele origin: germline.
Comment: This is a synonymous (silent) variant that is not predicted by SpliceAI to impact splicing. In addition, it occurs at a nucleotide that is not conserved. Therefore this variant has been classified as Likely Benign (BP4, BP7).

Labcorp Genetics (formerly Invitae), Labcorp
Classification: Likely benign for Familial hypobetalipoproteinemia 1; Hypercholesterolemia, autosomal dominant, type B. Last evaluated: 2023-03-14. Review status: criteria provided, single submitter. Criteria: Invitae Variant Classification Sherloc (09022015). Collection method: clinical testing. Allele origin: germline.

Ambry Genetics
Classification: Likely benign for Cardiovascular phenotype. Last evaluated: 2020-08-30. Review status: criteria provided, single submitter. Criteria: Ambry Variant Classification Scheme 2023. Collection method: clinical testing. Allele origin: germline.